The following is an entry in ClinVar:

ClinVar aggregate classification (germline): Uncertain significance (1 of 4 stars; one submission).

Conditions:
Neurofibromatosis, type 1 (NF1). Also called: Peripheral type neurofibromatosis; VON RECKLINGHAUSEN DISEASE; Neurofibromatosis, type I; NEUROFIBROMATOSIS, TYPE I, SOMATIC. Identifiers: Orphanet 636, MedGen C0027831, MONDO:0018975, OMIM 162200. Disease mechanism: loss of function.

Submission:

Labcorp Genetics (formerly Invitae), Labcorp
Classification: Uncertain significance for Neurofibromatosis, type 1. Last evaluated: 2023-08-28. Review status: criteria provided, single submitter. Criteria: Invitae Variant Classification Sherloc (09022015). Collection method: clinical testing. Allele origin: germline.
Comment: In summary, the available evidence is currently insufficient to determine the role of this variant in disease. Therefore, it has been classified as a Variant of Uncertain Significance. Advanced modeling of protein sequence and biophysical properties (such as structural, functional, and spatial information, amino acid conservation, physicochemical variation, residue mobility, and thermodynamic stability) performed at Invitae indicates that this missense variant is not expected to disrupt NF1 protein function. This variant has not been reported in the literature in individuals affected with NF1-related conditions. This variant is not present in population databases (gnomAD no frequency). This sequence change replaces glutamine, which is neutral and polar, with leucine, which is neutral and non-polar, at codon 2567 of the NF1 protein (p.Gln2567Leu).

NM_001042492.3(NF1):c.7763A>T (p.Gln2588Leu)

Gene: NF1 (neurofibromin 1; plus strand). Cytogenetic location: 17q11.2.
Variant type: single nucleotide variant.
Coding change: c.7763A>T on transcript NM_001042492.3 (MANE Select); coding-DNA position 7763, A replaced by T.
Protein change: p.Gln2588Leu; replaces glutamine 2588 with leucine.
Molecular consequence: missense variant.
Genome position (GRCh38, 1-based): chr17:31,356,984, A>T. VCF-style: chr17-31356984-A-T. GRCh37 (hg19) VCF-style: chr17-29684002-A-T.
Other names: c.7700A>T, p.Gln2567Leu (NM_000267.4); short protein forms Q2567L, Q2588L.
Identifiers: ClinVar variation 3012664 (VCV003012664.3), dbSNP rs775450260, ClinGen allele CA399018384.